The following is an entry in ClinVar:

NM_000169.3(GLA):c.878C>A (p.Pro293His)

Genes: GLA (galactosidase alpha; minus strand), RPL36A-HNRNPH2 (RPL36A-HNRNPH2 readthrough; plus strand). Cytogenetic location: Xq22.1.
Variant type: single nucleotide variant.
Coding change: c.878C>A on transcript NM_000169.3 (MANE Select); coding-DNA position 878, C replaced by A.
Protein change: p.Pro293His; replaces proline 293 with histidine.
Molecular consequence: missense variant. On other transcripts: non-coding transcript variant (3), intron variant (2).
Genome position (GRCh38, 1-based): chrX:101,398,491, G>T on the plus strand (C>A on the coding strand, the complement: GLA is on the minus strand). VCF-style: chrX-101398491-G-T. GRCh37 (hg19) VCF-style: chrX-100653479-G-T.
Other names: c.1001C>A, p.Pro334His (NM_001406747.1); c.878C>A, p.Pro293His (NM_001406748.1); c.300+3034G>T (NM_001199973.2); c.177+6669G>T (NM_001199974.2); short protein forms P293H, P334H.
Identifiers: ClinVar variation 4087563 (VCV004087563.2).
Genomic context (GRCh38, chrX:101,398,491, plus strand): 5'-TCCTGAAGGAGAGCTTTGGCTTGAGGGCTGATGTGTCGGAGGTCATTAGACATGAATAAA[G>T]GAGCAGCCATGATAGCCCAGAGGGCCATCTGAGTTACTTGCTGATTCCAGCTGAGGCCAA-3'
Protein context (NP_000160.1, residues 283-303): QMALWAIMAA[Pro293His]LFMSNDLRHI

ClinVar aggregate classification (germline): Likely pathogenic (1 of 4 stars; one submission).

Conditions:
Fabry disease. Also called: ALPHA-GALACTOSIDASE A DEFICIENCY; ANDERSON-FABRY DISEASE; CERAMIDE TRIHEXOSIDASE DEFICIENCY; GLA DEFICIENCY; HEREDITARY DYSTOPIC LIPIDOSIS; Angiokeratoma corporis diffusum. Identifiers: Orphanet 324, MedGen C0002986, MONDO:0010526, OMIM 301500, HP:0001071. Disease mechanism: Fabry disease is due to inactivating mutations in the X-linked GLA gene resulting in deficiency of the enzyme Alpha Galactosidase-A., loss of function.

Submission:

Genomenon, Inc
Classification: Likely pathogenic for Fabry disease. Last evaluated: 2026-09-08. Review status: criteria provided, single submitter. Criteria: Genomenon Sequence Variant Interpretation Standards - Updated. Collection method: curation. Allele origin: germline. Affected: yes.
Comment: GLA p.Pro293His (c.878C>A) is a missense variant that changes the amino acid at codon 293 from Proline to Histidine. This variant has been observed in at least one proband with clinical features consistent with Fabry disease (PMID:29853467). At least one functional study has demonstrated a substantial alteration in protein function relative to the wild-type (PMID:27657681). It is absent or not present at a significant frequency in gnomAD. In silico models predict that this variant is possibly or probably damaging. In conclusion, we classify GLA p.Pro293His (c.878C>A) as a likely pathogenic variant.

Literature cited by the submitters: PubMed 29853467; PubMed 27657681.